The following is an entry in ClinVar:

ClinVar aggregate classification (germline): Benign/Likely benign. Review status: criteria provided, multiple submitters, no conflicts (2 of 4 stars). 7 submissions from 7 submitters: Benign (3); Likely benign (4). Last evaluated 2026-02-03.

Conditions:
KCNJ2-related disorder. Also called: KCNJ2-related condition.
Cardiovascular phenotype. Identifiers: MedGen CN230736.
Short QT syndrome type 3. Identifiers: Orphanet 51083, MedGen C1865018, MONDO:0012314, OMIM 609622.
Andersen Tawil syndrome (LQT7). Also called: Andersen Syndrome; Potassium-sensitive periodic paralysis, ventricular ectopy, and dysmorphic features; PERIODIC PARALYSIS, POTASSIUM-SENSITIVE CARDIODYSRHYTHMIC TYPE; LONG QT SYNDROME 7; ANDERSEN CARDIODYSRHYTHMIC PERIODIC PARALYSIS. Identifiers: Orphanet 37553, MedGen C1563715, MONDO:0008222, OMIM 170390.

Allele frequency attached by ClinVar (database versions not stated): gnomAD exomes 0.00007 and 0.00027; gnomAD 0.00024 and 0.00028; ExAC 0.00026; ESP Exome Variant Server 0.00031; TOPMed 0.00037; 1000 Genomes Project 30x 0.00125; 1000 Genomes Project 0.00140.
gnomAD v4.1: 154 of 1,614,114 alleles (0.0095%); highest among the groups gnomAD compares: East Asian, 0.15%; no homozygotes.

Submissions (7):

Labcorp Genetics (formerly Invitae), Labcorp
Classification: Benign for Short QT syndrome type 3; Andersen Tawil syndrome. Last evaluated: 2026-02-03. Review status: criteria provided, single submitter. Criteria: Invitae Variant Classification Sherloc (09022015). Collection method: clinical testing. Allele origin: germline.

PreventionGenetics, part of Exact Sciences
Classification: Likely benign for KCNJ2-related condition. Last evaluated: 2025-12-08. Review status: criteria provided, single submitter. Criteria: ACMG Guidelines, 2015. Collection method: clinical testing. Allele origin: germline.
Comment: This variant is classified as likely benign based on ACMG/AMP sequence variant interpretation guidelines (Richards et al. 2015 PMID: 25741868, with internal and published modifications).

Blueprint Genetics
Classification: Likely benign. Last evaluated: 2024-11-01. Review status: criteria provided, single submitter. Criteria: ACMG Guidelines, 2015. Collection method: clinical testing. Allele origin: germline.

CeGaT Center for Human Genetics Tuebingen
Classification: Likely benign. Last evaluated: 2023-11-01. Review status: criteria provided, single submitter. Criteria: CeGaT Center For Human Genetics Tuebingen Variant Classification Criteria Version 2. Collection method: clinical testing. Allele origin: germline. Affected: yes. Observed: 1 variant allele.
Comment: KCNJ2: BP4, BP7, BS1

Women's Health and Genetics/Laboratory Corporation of America, LabCorp
Classification: Benign. Last evaluated: 2020-02-13. Review status: criteria provided, single submitter. Criteria: LabCorp Variant Classification Summary - May 2015. Collection method: clinical testing. Allele origin: germline.

Ambry Genetics
Classification: Likely benign for Cardiovascular phenotype. Last evaluated: 2019-03-27. Review status: criteria provided, single submitter. Criteria: Ambry Variant Classification Scheme 2023. Collection method: clinical testing. Allele origin: germline.

GeneDx
Classification: Benign. Last evaluated: 2013-11-04. Review status: criteria provided, single submitter. Criteria: GeneDx Variant Classification (06012015). Collection method: clinical testing. Allele origin: germline. Affected: yes.
Comment: This variant is considered likely benign or benign based on one or more of the following criteria: it is a conservative change, it occurs at a poorly conserved position in the protein, it is predicted to be benign by multiple in silico algorithms, and/or has population frequency not consistent with disease.

NM_000891.3(KCNJ2):c.372C>T (p.Ser124=)

Gene: KCNJ2 (potassium inwardly rectifying channel subfamily J member 2; plus strand). Cytogenetic location: 17q24.3.
Variant type: single nucleotide variant.
Coding change: c.372C>T on transcript NM_000891.3 (MANE Select); coding-DNA position 372, C replaced by T.
Protein change: p.Ser124=; no amino-acid change (serine 124 retained).
Molecular consequence: synonymous variant.
Genome position (GRCh38, 1-based): chr17:70,175,411, C>T. VCF-style: chr17-70175411-C-T. GRCh37 (hg19) VCF-style: chr17-68171552-C-T.
Other names: p.S124S:TCC>TCT.
Identifiers: ClinVar variation 137984 (VCV000137984.39), dbSNP rs138877244, ClinGen allele CA291733.